The following is an entry in ClinVar:

ClinVar aggregate classification (germline): Uncertain significance. Review status: criteria provided, multiple submitters, no conflicts (2 of 4 stars). 2 submissions from 2 submitters: Uncertain significance (2). Last evaluated 2025-06-03.

Conditions:
Hereditary cancer-predisposing syndrome. Also called: Neoplastic Syndromes, Hereditary; Tumor predisposition; Hereditary neoplastic syndrome; Hereditary Cancer Syndrome. Identifiers: Orphanet 140162, MedGen C0027672, MeSH D009386, MONDO:0015356.

Submissions (2):

Color Diagnostics, LLC DBA Color Health
Classification: Uncertain significance for Hereditary cancer-predisposing syndrome. Last evaluated: 2025-06-03. Review status: criteria provided, single submitter. Criteria: ACMG Guidelines, 2015. Collection method: clinical testing. Allele origin: germline.
Comment: This missense variant replaces serine with leucine at codon 1936 of the APC protein. Computational prediction suggests that this variant may not impact protein structure and function. To our knowledge, functional studies have not been reported for this variant. This variant has not been reported in individuals affected with APC-related disorders in the literature. This variant has not been identified in the general population by the Genome Aggregation Database (gnomAD). The available evidence is insufficient to determine the role of this variant in disease conclusively. Therefore, this variant is classified as a Variant of Uncertain Significance.

Ambry Genetics
Classification: Uncertain significance for Hereditary cancer-predisposing syndrome. Last evaluated: 2022-12-03. Review status: criteria provided, single submitter. Criteria: Ambry Variant Classification Scheme 2023. Collection method: clinical testing. Allele origin: germline.
Comment: The p.S1936L variant (also known as c.5807C>T), located in coding exon 15 of the APC gene, results from a C to T substitution at nucleotide position 5807. The serine at codon 1936 is replaced by leucine, an amino acid with dissimilar properties. This amino acid position is conserved. In addition, in silico predictors for this gene do not accurately predict pathogenicity. Since supporting evidence is limited at this time, the clinical significance of this alteration remains unclear.

NM_000038.6(APC):c.5807C>T (p.Ser1936Leu)

Gene: APC (APC regulator of Wnt signaling pathway; plus strand). Cytogenetic location: 5q22.2.
Variant type: single nucleotide variant.
Coding change: c.5807C>T on transcript NM_000038.6 (MANE Select); coding-DNA position 5807, C replaced by T.
Protein change: p.Ser1936Leu; replaces serine 1936 with leucine.
Molecular consequence: missense variant. On other transcripts: non-coding transcript variant (2).
Genome position (GRCh38, 1-based): chr5:112,841,401, C>T. VCF-style: chr5-112841401-C-T. GRCh37 (hg19) VCF-style: chr5-112177098-C-T.
Other names: c.5630C>T, p.Ser1877Leu (NM_001407453.1, NM_001354901.2); c.5558C>T, p.Ser1853Leu (NM_001407454.1, NM_001407455.1, NM_001407456.1 and 1 more transcripts); c.5504C>T, p.Ser1835Leu (NM_001407458.1, NM_001407459.1, NM_001407460.1 and 1 more transcripts); c.5420C>T, p.Ser1807Leu (NM_001407467.1, NM_001407469.1); c.4958C>T, p.Ser1653Leu (NM_001407470.1, NM_001354906.2); c.4655C>T, p.Ser1552Leu (NM_001407471.1, NM_001407472.1); c.5807C>T, p.Ser1936Leu (NM_001127510.3, NM_001354895.2, NM_001407450.1); c.5753C>T, p.Ser1918Leu (NM_001127511.3); and 11 more; short protein forms S1653L, S1853L, S1911L, S1926L, S1929L, S1936L, S1954L, S1845L.
Identifiers: ClinVar variation 2452690 (VCV002452690.3), dbSNP rs2149949729, ClinGen allele CA16034037.